The following is an entry in ClinVar:

ClinVar aggregate classification (germline): Pathogenic (1 of 4 stars; one submission).

Conditions:
Duchenne muscular dystrophy (DMD). Also called: Duchenne Muscular Dystrophy (DMD); MUSCULAR DYSTROPHY, PSEUDOHYPERTROPHIC PROGRESSIVE, DUCHENNE TYPE. Identifiers: Orphanet 98896, MedGen C0013264, MONDO:0010679, OMIM 310200.

Submission:

Clinical Genetics Laboratory, Skane University Hospital Lund
Classification: Pathogenic for Duchenne muscular dystrophy. Last evaluated: 2025-03-07. Review status: criteria provided, single submitter. Criteria: ACMG Guidelines, 2015. Collection method: clinical testing. Allele origin: germline.
Comment: ACMG criteria used: PVS1, PM2, PP4.

NM_004006.3(DMD):c.7787_7788dup (p.Gly2597Ter)

Gene: DMD (dystrophin; minus strand). Cytogenetic location: Xp21.1.
Variant type: Duplication.
Coding change: c.7787_7788dup on transcript NM_004006.3 (MANE Select); coding-DNA positions 7787 to 7788, 2 bases duplicated (TA; older notation c.7787_7788dupTA).
Protein change: p.Gly2597Ter; replaces glycine 2597 with a stop codon.
Molecular consequence: nonsense.
Genome position (GRCh38, 1-based): chrX:31,679,459-31,679,460, TA duplicated on the plus strand (TA on the coding strand, the reverse complement: DMD is on the minus strand). VCF-style (leftmost placement, unchanged base first): chrX-31679458-C-CTA. GRCh37 (hg19) VCF-style: chrX-31697575-C-CTA.
Other names: c.7763_7764dup, p.Gly2589Ter (NM_000109.4); c.7775_7776dup, p.Gly2593Ter (NM_004009.3); c.7418_7419dup, p.Gly2474Ter (NM_004010.3); c.3764_3765dup, p.Gly1256Ter (NM_004011.4); c.3755_3756dup, p.Gly1253Ter (NM_004012.4); c.407_408dup, p.Gly137Ter (NM_004013.3, NM_004020.4, NM_004021.3 and 2 more transcripts); short protein forms G1253*, G1256*, G137*, G2474*, G2589*, G2593*, G2597*.
Identifiers: ClinVar variation 3767237 (VCV003767237.1).